The following is an entry in ClinVar:

ClinVar aggregate classification (germline): Uncertain significance (1 of 4 stars; one submission).

Submission:

GeneDx
Classification: Uncertain significance. Last evaluated: 2022-04-29. Review status: criteria provided, single submitter. Criteria: GeneDx Variant Classification Process June 2021. Collection method: clinical testing. Allele origin: germline. Affected: yes.
Comment: Not observed at significant frequency in large population cohorts (gnomAD); In-frame deletion of 19 amino acids in a non-repeat region; In silico analysis supports a deleterious effect on protein structure/function; Has not been previously published as pathogenic or benign to our knowledge

NM_001371928.1(AHDC1):c.4519_4575del (p.Ser1507_Pro1525del)

Gene: AHDC1 (AT-hook DNA binding motif containing 1; minus strand). Cytogenetic location: 1p36.11.
Variant type: Deletion.
Coding change: c.4519_4575del on transcript NM_001371928.1 (MANE Select); coding-DNA positions 4519 to 4575, 57 bases deleted.
Protein change: p.Ser1507_Pro1525del.
Molecular consequence: inframe deletion. On other transcripts: inframe indel (1).
Genome position (GRCh38, 1-based): chr1:27,547,541-27,547,597, 57 bases deleted. GRCh37 (hg19): chr1:27,874,054-27,874,110.
Other names: c.4519_4575del, p.Ser1507_Pro1525del (NM_001029882.3); c.473_529del57, p.Ser159_Pro177del (NM_015699.1).
Identifiers: ClinVar variation 1712775 (VCV001712775.2), dbSNP rs2521782841, ClinGen allele CA999906084.